The following is an entry in ClinVar:

ClinVar aggregate classification (germline): Likely pathogenic (1 of 4 stars; one submission).

Conditions:
PKD1-related disorder. Also called: PKD1-related condition.

Submission:

PreventionGenetics, part of Exact Sciences
Classification: Likely pathogenic for PKD1-related condition. Last evaluated: 2025-11-14. Review status: criteria provided, single submitter. Criteria: ACMG Guidelines, 2015. Collection method: clinical testing. Allele origin: germline.
Comment: The PKD1 c.1522T>G variant is predicted to result in the amino acid substitution p.Cys508Gly. This variant was reported in individuals with autosomal dominant polycystic kidney disease (ADPKD) (Table S2, Fujimaru et al. 2018. PubMed ID: 29520754; Supplemental Figure 2, Sekine et al. 2019. PubMed ID: 30820006). The p.Cys508 residue is highly conserved. The REVEL (rare exome variant ensemble learner) program predicts the p.Cys508Gly variant is pathogenic at a "supporting" level (Ioannidis et al. 2016. PubMed ID: 27666373; Bergquist et al. 2024. PubMed ID: 39345488). Of note, different substitutions at the same codon have been reported in individuals with ADPKD (see for example, p.Cys508Arg in Rossetti et al. 2003. PubMed ID: 12842373 and Duan et al. 2024. PubMed ID: 39019822; p.Cys508Tyr in Supplementary Table 4, Mochizuki et al. 2019. PubMed ID: 30989420). The c.1522T>G (p.Cys508Gly) variant has not been reported in a large population database (gnomAD), indicating this variant is rare. This variant is interpreted as likely pathogenic.

NM_001009944.3(PKD1):c.1522T>G (p.Cys508Gly)

Gene: PKD1 (polycystin 1, transient receptor potential channel interacting; minus strand). Cytogenetic location: 16p13.3.
Variant type: single nucleotide variant.
Coding change: c.1522T>G on transcript NM_001009944.3 (MANE Select); coding-DNA position 1522, T replaced by G.
Protein change: p.Cys508Gly; replaces cysteine 508 with glycine.
Molecular consequence: missense variant.
Genome position (GRCh38, 1-based): chr16:2,116,917, A>C on the plus strand (T>G on the coding strand, the complement: PKD1 is on the minus strand). VCF-style: chr16-2116917-A-C. GRCh37 (hg19) VCF-style: chr16-2166918-A-C.
Other names: c.1522T>G, p.Cys508Gly (NM_000296.4); short protein forms C508G.
Identifiers: ClinVar variation 4995788 (VCV004995788.1).